The following is an entry in ClinVar:

ClinVar aggregate classification (germline): Benign/Likely benign. Review status: criteria provided, multiple submitters, no conflicts (2 of 4 stars). 5 submissions from 5 submitters: Benign (4); Likely benign (1). Last evaluated 2026-02-03.

Conditions:
Alpha-1-antitrypsin deficiency (A1ATD). Also called: Alpha1-Antitrypsin Deficiency; AAT deficiency; A1AT deficiency. Identifiers: Orphanet 60, MedGen C0221757, MONDO:0013282, OMIM 613490.

Allele frequency attached by ClinVar (database versions not stated): gnomAD exomes 0.00085 and 0.00217; ExAC 0.00267; gnomAD 0.00832 and 0.00897; TOPMed 0.00927; ESP Exome Variant Server 0.00946; 1000 Genomes Project 0.00998; 1000 Genomes Project 30x 0.01077.
gnomAD v4.1: 2,531 of 1,613,330 alleles (0.16%); highest among the groups gnomAD compares: African/African-American, 2.9%; 28 homozygotes.

Submissions (5):

Labcorp Genetics (formerly Invitae), Labcorp
Classification: Benign for Alpha-1-antitrypsin deficiency. Last evaluated: 2026-02-03. Review status: criteria provided, single submitter. Criteria: Invitae Variant Classification Sherloc (09022015). Collection method: clinical testing. Allele origin: germline.

Mayo Clinic Laboratories, Mayo Clinic
Classification: Benign. Last evaluated: 2021-06-29. Review status: criteria provided, single submitter. Criteria: ACMG Guidelines, 2015. Collection method: clinical testing. Allele origin: germline. Observed: 5 variant alleles.

Illumina Laboratory Services, Illumina
Classification: Likely benign for Alpha-1-antitrypsin deficiency. Last evaluated: 2017-04-28. Review status: criteria provided, single submitter. Criteria: ICSL Variant Classification Criteria 13 December 2019. Collection method: clinical testing. Allele origin: germline.
Comment: This variant was observed as part of a predisposition screen in an ostensibly healthy population. A literature search was performed for the gene, cDNA change, and amino acid change (where applicable). No publications were found based on this search. Allele frequency data from public databases allowed determination this variant is unlikely to cause disease. Therefore, this variant is classified as likely benign.

Laboratory for Molecular Medicine, Mass General Brigham Personalized Medicine
Classification: Benign. Last evaluated: 2013-02-21. Review status: criteria provided, single submitter. Criteria: LMM Criteria. Collection method: clinical testing. Allele origin: germline. Observed: 1 variant allele.
Comment: Ala356Ala in exon 7 of SERPINA1: This variant is not expected to have clinical s ignificance because it does not alter an amino acid residue and is not located w ithin the splice consensus sequence. It has been identified in 2.8% (122/4406) o f African American chromosomes from a broad population by the NHLBI Exome Sequen cing Project (dbSNP rs9630).

PreventionGenetics, part of Exact Sciences
Classification: Benign. Review status: criteria provided, single submitter. Criteria: ACMG Guidelines, 2015. Collection method: clinical testing. Allele origin: germline.

NM_000295.5(SERPINA1):c.1068C>T (p.Ala356=)

Gene: SERPINA1 (serpin family A member 1; minus strand). Cytogenetic location: 14q32.13.
Variant type: single nucleotide variant.
Coding change: c.1068C>T on transcript NM_000295.5 (MANE Select); coding-DNA position 1068, C replaced by T.
Protein change: p.Ala356=; no amino-acid change (alanine 356 retained).
Molecular consequence: synonymous variant.
Genome position (GRCh38, 1-based): chr14:94,378,638, G>A on the plus strand (C>T on the coding strand, the complement: SERPINA1 is on the minus strand). VCF-style: chr14-94378638-G-A. GRCh37 (hg19) VCF-style: chr14-94844975-G-A.
Other names: p.Ala356=; c.1068C>T, p.Ala356= (NM_001002235.3, NM_001002236.3, NM_001127700.2 and 7 more transcripts).
Identifiers: ClinVar variation 255787 (VCV000255787.20), dbSNP rs9630, ClinGen allele CA7327292.
Genomic context (GRCh38, chr14:94,378,638, plus strand): 5'-AAACATGGCCCCAGCAGCTTCAGTCCCTTTCTCGTCGATGGTCAGCACAGCCTTATGCAC[G>A]GCCTGGAGGGGAGAGAAGCAGAGACACGTTGTAAGGCTGATCCCAGGCCTCGAGCAAGGC-3'
Protein context (NP_000286.3, residues 346-366): TEEAPLKLSK[Ala356=]VHKAVLTIDE